The following is an entry in ClinVar:

NM_182961.4(SYNE1):c.3504+5G>C

Gene: SYNE1 (spectrin repeat containing nuclear envelope protein 1; minus strand). Cytogenetic location: 6q25.2.
Variant type: single nucleotide variant.
Coding change: c.3504+5G>C on transcript NM_182961.4 (MANE Select); 5 bases into the intron after coding-DNA position 3504, G replaced by C.
Molecular consequence: intron variant.
Genome position (GRCh38, 1-based): chr6:152,449,528, C>G on the plus strand (G>C on the coding strand, the complement: SYNE1 is on the minus strand). VCF-style: chr6-152449528-C-G. GRCh37 (hg19) VCF-style: chr6-152770663-C-G.
Other names: c.3525+5G>C (NM_033071.5).
Identifiers: ClinVar variation 1350764 (VCV001350764.6), dbSNP rs1398879746, ClinGen allele CA2573140685.

ClinVar aggregate classification (germline): Uncertain significance (1 of 4 stars; one submission).

Conditions:
Autosomal recessive ataxia, Beauce type. Also called: SYNE1-Related Autosomal Recessive Cerebellar Ataxia; SYNE1 Deficiency; Spinocerebellar ataxia, autosomal recessive 8; ATAXIA, RECESSIVE, OF BEAUCE. Identifiers: Orphanet 88644, MedGen C1853116, MONDO:0012549, OMIM 610743.
Emery-Dreifuss muscular dystrophy 4, autosomal dominant (EDMD4). Also called: EMERY-DREIFUSS MUSCULAR DYSTROPHY 4 WITH VARIABLE FEATURES. Identifiers: Orphanet 261, MedGen C2751807, MONDO:0013071, OMIM 612998.

Submission:

Labcorp Genetics (formerly Invitae), Labcorp
Classification: Uncertain significance for Emery-Dreifuss muscular dystrophy 4, autosomal dominant; Autosomal recessive ataxia, Beauce type. Last evaluated: 2022-08-15. Review status: criteria provided, single submitter. Criteria: Invitae Variant Classification Sherloc (09022015). Collection method: clinical testing. Allele origin: germline.
Comment: This variant is not present in population databases (gnomAD no frequency). This sequence change falls in intron 28 of the SYNE1 gene. It does not directly change the encoded amino acid sequence of the SYNE1 protein. It affects a nucleotide within the consensus splice site. This variant has not been reported in the literature in individuals affected with SYNE1-related conditions. ClinVar contains an entry for this variant (Variation ID: 1350764). Variants that disrupt the consensus splice site are a relatively common cause of aberrant splicing (PMID: 17576681, 9536098). Algorithms developed to predict the effect of sequence changes on RNA splicing suggest that this variant may disrupt the consensus splice site. In summary, the available evidence is currently insufficient to determine the role of this variant in disease. Therefore, it has been classified as a Variant of Uncertain Significance.

Literature cited by the submitters: PubMed 17576681; PubMed 9536098.